The following is an entry in ClinVar:

NM_000388.4(CASR):c.3010A>T (p.Ser1004Cys)

Gene: CASR (calcium sensing receptor; plus strand). Cytogenetic location: 3q21.1.
Variant type: single nucleotide variant.
Coding change: c.3010A>T on transcript NM_000388.4 (MANE Select); coding-DNA position 3010, A replaced by T.
Protein change: p.Ser1004Cys; replaces serine 1004 with cysteine.
Molecular consequence: missense variant.
Genome position (GRCh38, 1-based): chr3:122,284,964, A>T. VCF-style: chr3-122284964-A-T. GRCh37 (hg19) VCF-style: chr3-122003811-A-T.
Other names: c.3040A>T, p.Ser1014Cys (NM_001178065.2); short protein forms S1014C, S1004C.
Identifiers: ClinVar variation 1035079 (VCV001035079.10), dbSNP rs780255825, ClinGen allele CA354161261.

ClinVar aggregate classification (germline): Uncertain significance (1 of 4 stars; one submission).

Conditions:
Autosomal dominant hypocalcemia 1 (HYPOC1). Also called: HYPOCALCEMIA, FAMILIAL. Identifiers: MedGen C3715128, MONDO:0011013, OMIM 601198.
Familial hypocalciuric hypercalcemia (FHH). Also called: Familial benign hypercalcemia. Identifiers: Orphanet 405, MedGen C1809471, MONDO:0018458.

Submission:

Labcorp Genetics (formerly Invitae), Labcorp
Classification: Uncertain significance for Familial hypocalciuric hypercalcemia; Autosomal dominant hypocalcemia 1. Last evaluated: 2021-08-27. Review status: criteria provided, single submitter. Criteria: Invitae Variant Classification Sherloc (09022015). Collection method: clinical testing. Allele origin: germline.
Comment: In summary, the available evidence is currently insufficient to determine the role of this variant in disease. Therefore, it has been classified as a Variant of Uncertain Significance. Algorithms developed to predict the effect of missense changes on protein structure and function are either unavailable or do not agree on the potential impact of this missense change (SIFT: "Deleterious"; PolyPhen-2: "Benign"; Align-GVGD: "Class C0"). This variant has not been reported in the literature in individuals with CASR-related conditions. This variant is not present in population databases (ExAC no frequency). This sequence change replaces serine with cysteine at codon 1004 of the CASR protein (p.Ser1004Cys). The serine residue is weakly conserved and there is a moderate physicochemical difference between serine and cysteine.